The following is an entry in ClinVar:

NM_001844.5(COL2A1):c.2464-17_2464-16delinsTT

Gene: COL2A1 (collagen type II alpha 1 chain; minus strand). Cytogenetic location: 12q13.11.
Variant type: Indel.
Coding change: c.2464-17_2464-16delinsTT on transcript NM_001844.5 (MANE Select); 17 bases into the intron before coding-DNA position 2464 through 16 bases into the intron before coding-DNA position 2464, GC replaced by TT.
Molecular consequence: intron variant.
Genome position (GRCh38, 1-based): chr12:47,980,984-47,980,985, GC replaced by AA on the plus strand (GC replaced by TT on the coding strand, the reverse complement: COL2A1 is on the minus strand). VCF-style: chr12-47980984-GC-AA. GRCh37 (hg19) VCF-style: chr12-48374767-GC-AA.
Other names: c.2257-17_2257-16delinsTT (NM_033150.3).
Identifiers: ClinVar variation 2812122 (VCV002812122.3), dbSNP rs2540125065, ClinGen allele CA2739271985.

ClinVar aggregate classification (germline): Uncertain significance (1 of 4 stars; one submission).

Submission:

Labcorp Genetics (formerly Invitae), Labcorp
Classification: Uncertain significance. Last evaluated: 2022-11-04. Review status: criteria provided, single submitter. Criteria: Invitae Variant Classification Sherloc (09022015). Collection method: clinical testing. Allele origin: germline.
Comment: This sequence change falls in intron 37 of the COL2A1 gene. It does not directly change the encoded amino acid sequence of the COL2A1 protein. In summary, the available evidence is currently insufficient to determine the role of this variant in disease. Therefore, it has been classified as a Variant of Uncertain Significance. Experimental studies and prediction algorithms are not available or were not evaluated, and the effect of this variant on mRNA splicing is currently unknown. This variant has not been reported in the literature in individuals affected with COL2A1-related conditions. Information on the frequency of this variant in the gnomAD database is not available, as this variant may be reported differently in the database.